The following is an entry in ClinVar:

NM_181523.3(PIK3R1):c.974A>G (p.Asn325Ser)

Gene: PIK3R1 (phosphoinositide-3-kinase regulatory subunit 1; plus strand). Cytogenetic location: 5q13.1.
Variant type: single nucleotide variant.
Coding change: c.974A>G on transcript NM_181523.3 (MANE Select); coding-DNA position 974, A replaced by G.
Protein change: p.Asn325Ser; replaces asparagine 325 with serine.
Molecular consequence: missense variant.
Genome position (GRCh38, 1-based): chr5:68,292,316, A>G. VCF-style: chr5-68292316-A-G. GRCh37 (hg19) VCF-style: chr5-67588144-A-G.
Other names: c.164A>G, p.Asn55Ser (NM_181504.4); c.74A>G, p.Asn25Ser (NM_181524.2); short protein forms N325S, N25S, N55S.
Identifiers: ClinVar variation 1406343 (VCV001406343.11), dbSNP rs1452312514, ClinGen allele CA359878351.

ClinVar aggregate classification (germline): Uncertain significance (1 of 4 stars; one submission).

Conditions:
SHORT syndrome. Also called: LIPODYSTROPHY, PARTIAL, WITH RIEGER ANOMALY AND SHORT STATURE; PIK3R1-Related SHORT Syndrome; SHORT STATURE, HYPEREXTENSIBILITY, HERNIA, OCULAR DEPRESSION, RIEGER ANOMALY, AND TEETHING DELAY. Identifiers: Orphanet 3163, MedGen C0878684, MONDO:0010026, OMIM 269880.
Agammaglobulinemia 7, autosomal recessive (AGM7). Also called: AGAMMAGLOBULINEMIA, AUTOSOMAL RECESSIVE, DUE TO PIK3R1 DEFECT. Identifiers: MedGen C3554689, MONDO:0014083, OMIM 615214.
Immunodeficiency 36 with lymphoproliferation. Also called: Immunodeficiency 36; ACTIVATED PI3K-DELTA SYNDROME 2; Activated PI3K Delta Syndrome Type 2 (APDS2). Identifiers: Orphanet 397596, Orphanet 693681, MedGen C4014934, MONDO:0014453, OMIM 616005.

Allele frequency attached by ClinVar (database versions not stated): gnomAD exomes below 0.00001.
gnomAD v4.1: 4 of 1,613,660 alleles (0.00025%); highest among the groups gnomAD compares: South Asian, 0.0022%; no homozygotes.

Submission:

Labcorp Genetics (formerly Invitae), Labcorp
Classification: Uncertain significance for SHORT syndrome; Immunodeficiency 36 with lymphoproliferation; Agammaglobulinemia 7, autosomal recessive. Last evaluated: 2025-04-17. Review status: criteria provided, single submitter. Criteria: Invitae Variant Classification Sherloc (09022015). Collection method: clinical testing. Allele origin: germline.
Comment: This sequence change replaces asparagine, which is neutral and polar, with serine, which is neutral and polar, at codon 325 of the PIK3R1 protein (p.Asn325Ser). This variant is present in population databases (no rsID available, gnomAD 0.003%). This variant has not been reported in the literature in individuals affected with PIK3R1-related conditions. ClinVar contains an entry for this variant (Variation ID: 1406343). Invitae Evidence Modeling of protein sequence and biophysical properties (such as structural, functional, and spatial information, amino acid conservation, physicochemical variation, residue mobility, and thermodynamic stability) indicates that this missense variant is not expected to disrupt PIK3R1 protein function with a negative predictive value of 80%. In summary, the available evidence is currently insufficient to determine the role of this variant in disease. Therefore, it has been classified as a Variant of Uncertain Significance.